The following is an entry in ClinVar:

NM_020778.5(ALPK3):c.3892T>C (p.Phe1298Leu)

Gene: ALPK3 (alpha kinase 3; plus strand). Cytogenetic location: 15q25.3.
Variant type: single nucleotide variant.
Coding change: c.3892T>C on transcript NM_020778.5 (MANE Select); coding-DNA position 3892, T replaced by C.
Protein change: p.Phe1298Leu; replaces phenylalanine 1298 with leucine.
Molecular consequence: missense variant.
Genome position (GRCh38, 1-based): chr15:84,859,317, T>C. VCF-style: chr15-84859317-T-C. GRCh37 (hg19) VCF-style: chr15-85402548-T-C.
Other names: short protein forms F1298L.
Identifiers: ClinVar variation 1345460 (VCV001345460.12), dbSNP rs200756406, ClinGen allele CA7709758.

ClinVar aggregate classification (germline): Uncertain significance. Review status: criteria provided, multiple submitters, no conflicts (2 of 4 stars). 4 submissions from 4 submitters: Uncertain significance (4). Last evaluated 2026-09-21.

Conditions:
Cardiovascular phenotype. Identifiers: MedGen CN230736.

Allele frequency attached by ClinVar (database versions not stated): ExAC 0.00002; TOPMed 0.00005; gnomAD exomes 0.00003; gnomAD 0.00004.
gnomAD v4.1: 25 of 1,613,906 alleles (0.0015%); highest among the groups gnomAD compares: Non-Finnish European, 0.002%; no homozygotes.

Submissions (4):

Molecular Diagnostic Laboratory for Inherited Cardiovascular Disease, Montreal Heart Institute
Classification: Uncertain significance for Cardiovascular phenotype. Last evaluated: 2026-09-21. Review status: criteria provided, single submitter. Criteria: ACMG Guidelines, 2015. Collection method: clinical testing. Allele origin: germline. Affected: yes.
Comment: PM2, BP1

Labcorp Genetics (formerly Invitae), Labcorp
Classification: Uncertain significance. Last evaluated: 2026-01-13. Review status: criteria provided, single submitter. Criteria: Invitae Variant Classification Sherloc (09022015). Collection method: clinical testing. Allele origin: germline.
Comment: This sequence change replaces phenylalanine, which is neutral and non-polar, with leucine, which is neutral and non-polar, at codon 1500 of the ALPK3 protein (p.Phe1500Leu). This variant is present in population databases (rs200756406, gnomAD 0.007%). This variant has not been reported in the literature in individuals affected with ALPK3-related conditions. ClinVar contains an entry for this variant (Variation ID: 1345460). Invitae Evidence Modeling of protein sequence and biophysical properties (such as structural, functional, and spatial information, amino acid conservation, physicochemical variation, residue mobility, and thermodynamic stability) indicates that this missense variant is expected to disrupt ALPK3 protein function with a positive predictive value of 80%. In summary, the available evidence is currently insufficient to determine the role of this variant in disease. Therefore, it has been classified as a Variant of Uncertain Significance.

Ambry Genetics
Classification: Uncertain significance for Cardiovascular phenotype. Last evaluated: 2023-12-06. Review status: criteria provided, single submitter. Criteria: Ambry Variant Classification Scheme 2023. Collection method: clinical testing. Allele origin: germline.
Comment: The p.F1500L variant (also known as c.4498T>C), located in coding exon 7 of the ALPK3 gene, results from a T to C substitution at nucleotide position 4498. The phenylalanine at codon 1500 is replaced by leucine, an amino acid with highly similar properties. This amino acid position is highly conserved in available vertebrate species. In addition, this alteration is predicted to be tolerated by in silico analysis. Since supporting evidence is limited at this time, the clinical significance of this alteration remains unclear.

GeneDx
Classification: Uncertain significance. Last evaluated: 2023-06-21. Review status: criteria provided, single submitter. Criteria: GeneDx Variant Classification Process June 2021. Collection method: clinical testing. Allele origin: germline. Affected: yes.
Comment: Has not been previously published as pathogenic or benign to our knowledge; In silico analysis supports that this missense variant has a deleterious effect on protein structure/function